The following is an entry in ClinVar:

ClinVar aggregate classification (germline): Conflicting classifications of pathogenicity. Review status: criteria provided, conflicting classifications (1 of 4 stars). 4 submissions from 4 submitters: Pathogenic (1); Likely pathogenic (2); Uncertain significance (1). Last evaluated 2026-08-18.

Conditions:
Bethlem myopathy 1A. Also called: MYOPATHY, BENIGN CONGENITAL, WITH CONTRACTURES; Bethlem myopathy 1; Bethlem Muscular Dystrophy. Identifiers: Orphanet 610, MedGen CN029274, MONDO:0024530, OMIM 158810.

Submissions (4):

GeneDx
Classification: Likely pathogenic. Last evaluated: 2026-08-18. Review status: criteria provided, single submitter. Criteria: GeneDx Variant Classification Process June 2021. Collection method: clinical testing. Allele origin: germline.
Comment: In-frame deletion of 3 amino acid(s)in a non-repeat region predicted to critically alter the protein; Not observed at significant frequency in large population cohorts (gnomAD); In silico analysis supports a deleterious effect on protein structure/function; This variant is associated with the following publications: (PMID: 7695699, 8218237, 31127727, 19344236, 15689448, 28688748)

Revvity Omics, Revvity
Classification: Likely pathogenic. Last evaluated: 2025-04-10. Review status: criteria provided, single submitter. Criteria: ACMG Guidelines, 2015. Collection method: clinical testing. Allele origin: germline.

Labcorp Genetics (formerly Invitae), Labcorp
Classification: Pathogenic for Bethlem myopathy 1A. Last evaluated: 2025-01-27. Review status: criteria provided, single submitter. Criteria: Invitae Variant Classification Sherloc (09022015). Collection method: clinical testing. Allele origin: germline.
Comment: This variant, c.1660_1668del, results in the deletion of 3 amino acid(s) of the COL6A2 protein (p.Lys554_Glu556del), but otherwise preserves the integrity of the reading frame. This variant is not present in population databases (gnomAD no frequency). This variant has been observed in individual(s) with clinical features of autosomal recessive Bethlem myopathy or Ullrich congenital muscular dystrophy (PMID: 28688748; internal data). In at least one individual the data is consistent with being in trans (on the opposite chromosome) from a pathogenic variant. ClinVar contains an entry for this variant (Variation ID: 285829). For these reasons, this variant has been classified as Pathogenic.

Eurofins Ntd Llc (ga)
Classification: Uncertain significance. Last evaluated: 2018-02-12. Review status: criteria provided, single submitter. Criteria: EGL ClinVar v180209 classification definitions. Collection method: clinical testing. Allele origin: germline. Observed: 3 variant alleles, 2 heterozygotes.

Literature cited by the submitters: PubMed 28688748 (cited by Labcorp Genetics (formerly Invitae), Labcorp).

NM_001849.4(COL6A2):c.1651AAAGGAGAG[1] (p.551KGE[1])

Gene: COL6A2 (collagen type VI alpha 2 chain; plus strand). Cytogenetic location: 21q22.3.
Variant type: Microsatellite.
Coding change: c.1651AAAGGAGAG[1] on transcript NM_001849.4 (MANE Select); one copy of the 9-base unit AAAGGAGAG starting at c.1651; the reference has two copies in a row; one copy, 9 bases deleted; also written c.1660_1668del.
Protein change: p.551KGE[1].
Molecular consequence: inframe deletion.
Genome position (GRCh38, 1-based): chr21:46,122,926-46,122,934, AAAGGAGAG deleted; deleting any 9 consecutive bases within chr21:46,122,916-46,122,934 gives the same sequence; the position shown is the placement nearest the transcript's 3' end. VCF-style (leftmost placement, unchanged base first): chr21-46122915-GGAAAGGAGA-G. GRCh37 (hg19) VCF-style: chr21-47542829-GGAAAGGAGA-G.
Other names: c.1651AAAGGAGAG[1], p.551KGE[1] (NM_058174.3, NM_058175.3); c.1660_1668del (NM_001849.3, NM_001849.4).
Identifiers: ClinVar variation 285829 (VCV000285829.18), dbSNP rs773493556, ClinGen allele CA10605265.